The following is an entry in ClinVar:

ClinVar aggregate classification (germline): Uncertain significance (1 of 4 stars; one submission).

Conditions:
Neurodevelopmental disorder with language impairment and behavioral abnormalities. Also called: GRIA2-related neurodevelopmental disorder. Identifiers: MedGen C5394502, MONDO:0030060, OMIM 618917.

Submission:

Juno Genomics, Hangzhou Juno Genomics, Inc
Classification: Uncertain significance for Neurodevelopmental disorder with language impairment and behavioral abnormalities. Review status: criteria provided, single submitter. Criteria: ACMG Guidelines, 2015. Collection method: clinical testing. Allele origin: germline.
Comment: Protein length changes due to in-frame deletions/insertions in a non-repeat region or stop-loss variants.;Absent from controls (or at extremely low frequency if recessive) in Genome Aggregation Database.

NM_001083619.3(GRIA2):c.2554_2562del (p.Ala852_Asn854del)

Gene: GRIA2 (glutamate ionotropic receptor AMPA type subunit 2; plus strand). Cytogenetic location: 4q32.1.
Variant type: Deletion.
Coding change: c.2554_2562del on transcript NM_001083619.3 (MANE Select); coding-DNA positions 2554 to 2562, 9 bases deleted (GCACAGAAT; older notation c.2554_2562delGCACAGAAT).
Protein change: p.Ala852_Asn854del.
Molecular consequence: inframe deletion.
Genome position (GRCh38, 1-based): chr4:157,362,946-157,362,954, GCACAGAAT deleted; deleting any 9 consecutive bases within chr4:157,362,941-157,362,954 gives the same sequence; the c. name uses the placement nearest the transcript's 3' end. VCF-style (leftmost placement, unchanged base first): chr4-157362940-AAGAATGCAC-A. GRCh37 (hg19) VCF-style: chr4-158284092-AAGAATGCAC-A.
Other names: c.2554_2562del, p.Ala852_Asn854del (NM_000826.6); c.2413_2421del, p.Ala805_Asn807del (NM_001083620.3, NM_001379000.3, NM_001379001.3).
Identifiers: ClinVar variation 5006745 (VCV005006745.2).